The following is an entry in ClinVar:

ClinVar aggregate classification (germline): Uncertain significance. Review status: criteria provided, multiple submitters, no conflicts (2 of 4 stars). 3 submissions from 3 submitters: Uncertain significance (3). Last evaluated 2024-11-25.

Conditions:
Inborn genetic diseases. Identifiers: MedGen C0950123, MeSH D030342.

Allele frequency attached by ClinVar (database versions not stated): gnomAD exomes 0.00001; gnomAD 0.00002; TOPMed 0.00002.
gnomAD v4.1: 7 of 1,613,802 alleles (0.00043%); highest among the groups gnomAD compares: African/African-American, 0.008%; no homozygotes.

Submissions (3):

Blueprint Genetics
Classification: Uncertain significance. Last evaluated: 2024-11-25. Review status: criteria provided, single submitter. Criteria: ACMG Guidelines, 2015. Collection method: clinical testing. Allele origin: germline.

Ambry Genetics
Classification: Uncertain significance for Inborn genetic diseases. Last evaluated: 2024-02-13. Review status: criteria provided, single submitter. Criteria: Ambry Variant Classification Scheme 2023. Collection method: clinical testing. Allele origin: germline.

Labcorp Genetics (formerly Invitae), Labcorp
Classification: Uncertain significance. Last evaluated: 2022-11-22. Review status: criteria provided, single submitter. Criteria: Invitae Variant Classification Sherloc (09022015). Collection method: clinical testing. Allele origin: germline.
Comment: This sequence change replaces arginine, which is basic and polar, with methionine, which is neutral and non-polar, at codon 1224 of the CNGB1 protein (p.Arg1224Met). This variant is present in population databases (no rsID available, gnomAD 0.007%). In summary, the available evidence is currently insufficient to determine the role of this variant in disease. Therefore, it has been classified as a Variant of Uncertain Significance. This variant has not been reported in the literature in individuals affected with CNGB1-related conditions. Advanced modeling of protein sequence and biophysical properties (such as structural, functional, and spatial information, amino acid conservation, physicochemical variation, residue mobility, and thermodynamic stability) performed at Invitae indicates that this missense variant is not expected to disrupt CNGB1 protein function.

NM_001297.5(CNGB1):c.3671G>T (p.Arg1224Met)

Gene: CNGB1 (cyclic nucleotide gated channel subunit beta 1; minus strand). Cytogenetic location: 16q21.
Variant type: single nucleotide variant.
Coding change: c.3671G>T on transcript NM_001297.5 (MANE Select); coding-DNA position 3671, G replaced by T.
Protein change: p.Arg1224Met; replaces arginine 1224 with methionine.
Molecular consequence: missense variant.
Genome position (GRCh38, 1-based): chr16:57,884,249, C>A on the plus strand (G>T on the coding strand, the complement: CNGB1 is on the minus strand). VCF-style: chr16-57884249-C-A. GRCh37 (hg19) VCF-style: chr16-57918153-C-A.
Other names: c.3671G>T (NM_001297.4); c.3653G>T, p.Arg1218Met (NM_001286130.2); short protein forms R1218M, R1224M.
Identifiers: ClinVar variation 1941187 (VCV001941187.7), dbSNP rs1241254911, ClinGen allele CA396059367.